The following is an entry in ClinVar:

ClinVar aggregate classification (germline): Likely benign (0 of 4 stars; one submission).

Submission:

ISCA site 1
Classification: Likely benign. Last evaluated: 2018-02-09. Review status: no assertion criteria provided. Collection method: clinical testing. Allele origin: unknown. Affected: yes. Observed: 1 variant allele.
Comment: Copy number variation identified through the course of routine clinical cytogenomic testing in postnatal populations, with clinical assertions as classified by the original submitter. For data from the original published study, Kaminsky, et al. 2011 (PubMed 21844811), please see nstd101.

GRCh38/hg38 Xp21.1(chrX:31767255-31870767)x1

Genes: DMD (dystrophin; minus strand), LOC129391296 (MPRA-validated peak7373 silencer; plus strand). Cytogenetic location: Xp21.1.
Variant type: copy number loss.
Change: copy number 1 of chrX:31,767,255-31,870,767 (103.5 kb, GRCh38 coordinates, 1-based), cytogenetic band Xp21.1.
Identifiers: ClinVar variation 148345 (VCV000148345.3).